The following is an entry in ClinVar:

NM_194277.3(FRMD7):c.599T>C (p.Met200Thr)

Gene: FRMD7 (FERM domain containing 7; minus strand). Cytogenetic location: Xq26.2.
Variant type: single nucleotide variant.
Coding change: c.599T>C on transcript NM_194277.3 (MANE Select); coding-DNA position 599, T replaced by C.
Protein change: p.Met200Thr; replaces methionine 200 with threonine.
Molecular consequence: missense variant.
Genome position (GRCh38, 1-based): chrX:132,085,627, A>G on the plus strand (T>C on the coding strand, the complement: FRMD7 is on the minus strand). VCF-style: chrX-132085627-A-G. GRCh37 (hg19) VCF-style: chrX-131219655-A-G.
Other names: c.554T>C, p.Met185Thr (NM_001306193.2); short protein forms M185T, M200T.
Identifiers: ClinVar variation 4699790 (VCV004699790.1).

ClinVar aggregate classification (germline): Uncertain significance (1 of 4 stars; one submission).

Submission:

Labcorp Genetics (formerly Invitae), Labcorp
Classification: Uncertain significance. Last evaluated: 2026-01-19. Review status: criteria provided, single submitter. Criteria: Invitae Variant Classification Sherloc (09022015). Collection method: clinical testing. Allele origin: germline.
Comment: This sequence change replaces methionine, which is neutral and non-polar, with threonine, which is neutral and polar, at codon 200 of the FRMD7 protein (p.Met200Thr). This variant is present in population databases (no rsID available, gnomAD 0.008%), including at least one homozygous and/or hemizygous individual. This variant has not been reported in the literature in individuals affected with FRMD7-related conditions. An algorithm developed to predict the effect of missense changes on protein structure and function outputs the following: PolyPhen-2: "Benign". The threonine amino acid residue is found in multiple mammalian species, which suggests that this missense change does not adversely affect protein function. In summary, the available evidence is currently insufficient to determine the role of this variant in disease. Therefore, it has been classified as a Variant of Uncertain Significance.